The following is an entry in ClinVar:

NM_002519.3(NPAT):c.2896C>G (p.Arg966Gly)

Gene: NPAT (nuclear protein, coactivator of histone transcription; minus strand). Cytogenetic location: 11q22.3.
Variant type: single nucleotide variant.
Coding change: c.2896C>G on transcript NM_002519.3 (MANE Select); coding-DNA position 2896, C replaced by G.
Protein change: p.Arg966Gly; replaces arginine 966 with glycine.
Molecular consequence: missense variant.
Genome position (GRCh38, 1-based): chr11:108,169,933, G>C on the plus strand (C>G on the coding strand, the complement: NPAT is on the minus strand). VCF-style: chr11-108169933-G-C. GRCh37 (hg19) VCF-style: chr11-108040660-G-C.
Other names: c.2896C>G, p.Arg966Gly (NM_001321307.1); short protein forms R966G.
Identifiers: ClinVar variation 1797354 (VCV001797354.2), dbSNP rs754474548, ClinGen allele CA382512003.
Genomic context (GRCh38, chr11:108,169,933, plus strand): 5'-AATTACACTAAGCTTGAAAAGCATCACCACACCATTTTCAGTTCATAAATCTTACCTGCC[G>C]AGGAGGAGTAGAAAAGTTATTTCCATTCTGTCCAACCACAGATACTGGGATCATCCCTAC-3'
Protein context (NP_002510.2, residues 956-976): QNGNNFSTPP[Arg966Gly]QVLHMPLTAP

ClinVar aggregate classification (germline): Uncertain significance (1 of 4 stars; one submission).

Submission:

Ambry Genetics
Classification: Uncertain significance. Last evaluated: 2021-10-31. Review status: criteria provided, single submitter. Criteria: Ambry Variant Classification Scheme 2023. Collection method: clinical testing. Allele origin: germline.
Comment: The p.R966G variant (also known as c.2896C>G), located in coding exon 14 of the NPAT gene, results from a C to G substitution at nucleotide position 2896. The arginine at codon 966 is replaced by glycine, an amino acid with dissimilar properties. This amino acid position is conserved. In addition, this alteration is predicted to be tolerated by in silico analysis. Since supporting evidence is limited at this time, the clinical significance of this alteration remains unclear.